The following is an entry in ClinVar:

ClinVar aggregate classification (germline): Benign. Review status: criteria provided, single submitter (1 of 4 stars). 2 submissions from 2 submitters: Benign (1). 1 of the submissions does not count toward it. Last evaluated 2024-11-27.

Conditions:
KRT6C-related disorder. Also called: KRT6C-related condition.

Allele frequency attached by ClinVar (database versions not stated): ExAC 0.17061.

Submissions (2):

Blueprint Genetics
Classification: Benign. Last evaluated: 2024-11-27. Review status: criteria provided, single submitter. Criteria: ACMG Guidelines, 2015. Collection method: clinical testing. Allele origin: germline.

PreventionGenetics, part of Exact Sciences
Classification: Benign for KRT6C-related condition. Last evaluated: 2019-10-23. Review status: no assertion criteria provided. Collection method: clinical testing. Allele origin: germline. Not counted in ClinVar's aggregate classification.
Comment: This variant is classified as benign based on ACMG/AMP sequence variant interpretation guidelines (Richards et al. 2015 PMID: 25741868, with internal and published modifications).

NM_173086.5(KRT6C):c.147T>C (p.Gly49=)

Gene: KRT6C (keratin 6C; minus strand). Cytogenetic location: 12q13.13.
Variant type: single nucleotide variant.
Coding change: c.147T>C on transcript NM_173086.5 (MANE Select); coding-DNA position 147, T replaced by C.
Protein change: p.Gly49=; no amino-acid change (glycine 49 retained).
Molecular consequence: synonymous variant.
Genome position (GRCh38, 1-based): chr12:52,473,591, A>G on the plus strand (T>C on the coding strand, the complement: KRT6C is on the minus strand). VCF-style: chr12-52473591-A-G. GRCh37 (hg19) VCF-style: chr12-52867375-A-G.
Identifiers: ClinVar variation 3059899 (VCV003059899.3), dbSNP rs61732611, ClinGen allele CA6581650.